The following is an entry in ClinVar:

NM_007294.4(BRCA1):c.5007C>T (p.Ala1669=)

Gene: BRCA1 (BRCA1 DNA repair associated; minus strand). Cytogenetic location: 17q21.31.
Variant type: single nucleotide variant.
Coding change: c.5007C>T on transcript NM_007294.4 (MANE Select); coding-DNA position 5007, C replaced by T.
Protein change: p.Ala1669=; no amino-acid change (alanine 1669 retained).
Molecular consequence: synonymous variant. On other transcripts: intron variant (1).
Genome position (GRCh38, 1-based): chr17:43,067,675, G>A on the plus strand (C>T on the coding strand, the complement: BRCA1 is on the minus strand). VCF-style: chr17-43067675-G-A. GRCh37 (hg19) VCF-style: chr17-41219692-G-A.
Other names: c.4794C>T, p.Ala1598= (NM_001407571.1, NM_001407894.1, NM_001407895.1 and 12 more transcripts); c.5073C>T, p.Ala1691= (NM_001407581.1, NM_001407582.1); c.5070C>T, p.Ala1690= (NM_001407583.1, NM_001407585.1, NM_001407587.1 and 1 more transcripts); c.5067C>T, p.Ala1689= (NM_001407590.1, NM_001407591.1); c.5007C>T, p.Ala1669= (NM_001407593.1, NM_001407594.1, NM_001407596.1 and 8 more transcripts); c.5004C>T, p.Ala1668= (NM_001407610.1, NM_001407611.1, NM_001407612.1 and 17 more transcripts); c.5001C>T, p.Ala1667= (NM_001407627.1, NM_001407628.1, NM_001407629.1 and 14 more transcripts); c.4998C>T, p.Ala1666= (NM_001407644.1, NM_001407645.1); and 71 more.
Identifiers: ClinVar variation 427317 (VCV000427317.16), dbSNP rs751856943, ClinGen allele CA053683.
Genomic context (GRCh38, chr17:43,067,675, plus strand): 5'-CATAACAACATGAGTAGTCTCTTCAGTAATTAGATTAGTTAAAGTGATGTGGTGTTTTCT[G>A]GCAAACTTGTACACGAGCATCTGAAATTAAATCAAATATTCCATTATCATGAGTTACCTC-3'
Protein context (NP_009225.1, residues 1659-1679): PEEFMLVYKF[Ala1669=]RKHHITLTNL

ClinVar aggregate classification (germline): Likely benign. Review status: reviewed by expert panel (3 of 4 stars). 4 submissions from 4 submitters: Likely benign (1). 3 of the submissions do not count toward it. Last evaluated 2017-06-29.

Conditions:
Hereditary breast ovarian cancer syndrome. Also called: Hereditary breast and ovarian cancer syndrome (HBOC); BRCA1- and BRCA2-Associated Hereditary Breast and Ovarian Cancer; Hereditary breast and/or ovarian cancer syndrome; Hereditary breast and ovarian cancer syndrome; Hereditary breast and ovarian cancer; Breast and ovarian cancer. Identifiers: Orphanet 145, MedGen C0677776, MeSH D061325, MONDO:0003582. Disease mechanism: loss of function.
Hereditary cancer-predisposing syndrome. Also called: Neoplastic Syndromes, Hereditary; Hereditary neoplastic syndrome; Tumor predisposition; Hereditary Cancer Syndrome. Identifiers: Orphanet 140162, MedGen C0027672, MeSH D009386, MONDO:0015356.
Breast-ovarian cancer, familial, susceptibility to, 1 (BROVCA1). Also called: BRCA1 Hereditary Breast and Ovarian Cancer; OVARIAN CANCER, SUSCEPTIBILITY TO. Identifiers: Orphanet 145, MedGen C2676676, MONDO:0011450, OMIM 604370. Disease mechanism: loss of function.

Allele frequency attached by ClinVar (database versions not stated): gnomAD exomes below 0.00001; ExAC 0.00001.
gnomAD v4.1: 2 of 1,613,054 alleles (0.00012%); highest among the groups gnomAD compares: South Asian, 0.0022%; no homozygotes.

Submissions (5):

Evidence-based Network for the Interpretation of Germline Mutant Alleles (ENIGMA)
Classification: Likely benign for Breast-ovarian cancer, familial, susceptibility to, 1. Last evaluated: 2017-06-29. Review status: reviewed by expert panel. Criteria: ENIGMA BRCA1/2 Classification Criteria (2017-06-29). Collection method: curation. Allele origin: germline.
Comment: Synonymous substitution variant, with low bioinformatic likelihood to result in a splicing aberration (Splicing prior probability 0.02).

Ambry Genetics
Classification: Uncertain significance for Hereditary cancer-predisposing syndrome. Last evaluated: 2025-08-14. Review status: criteria provided, single submitter. Criteria: Ambry Variant Classification Scheme 2023. Collection method: clinical testing. Allele origin: germline. Not counted in ClinVar's aggregate classification.
Comment: The c.5007C>T variant (also known as p.A1669A), located in coding exon 15 of the BRCA1 gene, results from a C to T substitution at nucleotide position 5007. This nucleotide substitution does not change the at codon 1669. This nucleotide position is well conserved in available vertebrate species. In silico splice site analysis predicts that this alteration may weaken the native splice acceptor site; however, direct evidence is insufficient at this time (Ambry internal data). Based on the available evidence, the clinical significance of this variant remains unclear.

Labcorp Genetics (formerly Invitae), Labcorp
Classification: Uncertain significance for Hereditary breast ovarian cancer syndrome. Last evaluated: 2023-02-25. Review status: criteria provided, single submitter. Criteria: Invitae Variant Classification Sherloc (09022015). Collection method: clinical testing. Allele origin: germline. Not counted in ClinVar's aggregate classification.
Comment: Algorithms developed to predict the effect of sequence changes on RNA splicing suggest that this variant may disrupt the consensus splice site. Experimental studies are conflicting or provide insufficient evidence to determine the effect of this variant on BRCA1 function (PMID: 30209399). Algorithms developed to predict the effect of variants on protein structure and function are not available or were not evaluated for this variant. ClinVar contains an entry for this variant (Variation ID: 427317). This variant has not been reported in the literature in individuals affected with BRCA1-related conditions. This variant is present in population databases (rs751856943, gnomAD 0.003%). This sequence change affects codon 1669 of the BRCA1 mRNA. It is a 'silent' change, meaning that it does not change the encoded amino acid sequence of the BRCA1 protein. In summary, the available evidence is currently insufficient to determine the role of this variant in disease. Therefore, it has been classified as a Variant of Uncertain Significance.

Color Diagnostics, LLC DBA Color Health
Classification: Likely benign for Hereditary cancer-predisposing syndrome. Last evaluated: 2018-10-18. Review status: criteria provided, single submitter. Criteria: ACMG Guidelines, 2015. Collection method: clinical testing. Allele origin: germline. Not counted in ClinVar's aggregate classification.

Brotman Baty Institute, University of Washington
No classification provided (evidence only). Condition: Breast-ovarian cancer, familial 1. Review status: no classification provided. Collection method: in vitro. Allele origin: not applicable. Functional consequence: function_uncertain_variant. Not counted in ClinVar's aggregate classification.
ClinVar note: "not provided" was previously submitted as the classification for the variant. However, the classification appeared to be based only on an observation of functional data so it was converted to no classification on 2025-07-30.

Literature cited by the submitters: PubMed 30209399 (cited by Labcorp Genetics (formerly Invitae), Labcorp).